The following is an entry in ClinVar:

NM_001330078.2(NRXN1):c.2831A>G (p.Tyr944Cys)

Gene: NRXN1 (neurexin 1; minus strand). Cytogenetic location: 2p16.3.
Variant type: single nucleotide variant.
Coding change: c.2831A>G on transcript NM_001330078.2 (MANE Select); coding-DNA position 2831, A replaced by G.
Protein change: p.Tyr944Cys; replaces tyrosine 944 with cysteine.
Molecular consequence: missense variant.
Genome position (GRCh38, 1-based): chr2:50,497,381, T>C on the plus strand (A>G on the coding strand, the complement: NRXN1 is on the minus strand). VCF-style: chr2-50497381-T-C. GRCh37 (hg19) VCF-style: chr2-50724519-T-C.
Other names: c.2951A>G, p.Tyr984Cys (NM_001135659.3); c.2807A>G, p.Tyr936Cys (NM_001330077.2, NM_001330082.2); c.2765A>G, p.Tyr922Cys (NM_001330083.2, NM_001330084.2); c.2804A>G, p.Tyr935Cys (NM_001330085.2); c.2831A>G, p.Tyr944Cys (NM_001330086.2, NM_004801.6); c.2720A>G, p.Tyr907Cys (NM_001330087.2, NM_001330096.2); c.2750A>G, p.Tyr917Cys (NM_001330088.2); c.2828A>G, p.Tyr943Cys (NM_001330093.2); and 2 more; short protein forms Y943C, Y984C, Y917C, Y927C, Y936C, Y922C, Y935C, Y940C.
Identifiers: ClinVar variation 2128145 (VCV002128145.5), dbSNP rs201736230, ClinGen allele CA47360539.

ClinVar aggregate classification (germline): Uncertain significance. Review status: criteria provided, multiple submitters, no conflicts (2 of 4 stars). 2 submissions from 2 submitters: Uncertain significance (2). Last evaluated 2024-06-03.

Conditions:
Pitt-Hopkins-like syndrome 2 (PTHSL2). Identifiers: Orphanet 221150, Orphanet 600663, MedGen C3280479, MONDO:0013690, OMIM 614325.

gnomAD v4.1: 2 of 1,578,896 alleles (0.00013%); highest among the groups gnomAD compares: South Asian, 0.0024%; no homozygotes.

Submissions (2):

Blueprint Genetics
Classification: Uncertain significance. Last evaluated: 2024-06-03. Review status: criteria provided, single submitter. Criteria: ACMG Guidelines, 2015. Collection method: clinical testing. Allele origin: germline.

Labcorp Genetics (formerly Invitae), Labcorp
Classification: Uncertain significance for Pitt-Hopkins-like syndrome 2. Last evaluated: 2022-04-19. Review status: criteria provided, single submitter. Criteria: Invitae Variant Classification Sherloc (09022015). Collection method: clinical testing. Allele origin: germline.
Comment: This sequence change replaces tyrosine, which is neutral and polar, with cysteine, which is neutral and slightly polar, at codon 984 of the NRXN1 protein (p.Tyr984Cys). This variant is not present in population databases (gnomAD no frequency). This variant has not been reported in the literature in individuals affected with NRXN1-related conditions. Algorithms developed to predict the effect of missense changes on protein structure and function (SIFT, PolyPhen-2, Align-GVGD) all suggest that this variant is likely to be disruptive. In summary, the available evidence is currently insufficient to determine the role of this variant in disease. Therefore, it has been classified as a Variant of Uncertain Significance.